The following is an entry in ClinVar:

NM_015338.6(ASXL1):c.2720T>C (p.Val907Ala)

Gene: ASXL1 (ASXL transcriptional regulator 1; plus strand). Cytogenetic location: 20q11.21.
Variant type: single nucleotide variant.
Coding change: c.2720T>C on transcript NM_015338.6 (MANE Select); coding-DNA position 2720, T replaced by C.
Protein change: p.Val907Ala; replaces valine 907 with alanine.
Molecular consequence: missense variant.
Genome position (GRCh38, 1-based): chr20:32,435,432, T>C. VCF-style: chr20-32435432-T-C. GRCh37 (hg19) VCF-style: chr20-31023235-T-C.
Other names: c.2537T>C, p.Val846Ala (NM_001363734.1); short protein forms V907A, V846A.
Identifiers: ClinVar variation 3696396 (VCV003696396.2).

ClinVar aggregate classification (germline): Uncertain significance (1 of 4 stars; one submission).

Submission:

Labcorp Genetics (formerly Invitae), Labcorp
Classification: Uncertain significance. Last evaluated: 2024-12-07. Review status: criteria provided, single submitter. Criteria: Invitae Variant Classification Sherloc (09022015). Collection method: clinical testing. Allele origin: germline.
Comment: This sequence change replaces valine, which is neutral and non-polar, with alanine, which is neutral and non-polar, at codon 907 of the ASXL1 protein (p.Val907Ala). This variant is not present in population databases (gnomAD no frequency). This variant has not been reported in the literature in individuals affected with ASXL1-related conditions. An algorithm developed to predict the effect of missense changes on protein structure and function outputs the following: PolyPhen-2: "Benign". The alanine amino acid residue is found in multiple mammalian species, which suggests that this missense change does not adversely affect protein function. In summary, the available evidence is currently insufficient to determine the role of this variant in disease. Therefore, it has been classified as a Variant of Uncertain Significance.